The following is an entry in ClinVar:

ClinVar aggregate classification (germline): Uncertain significance. Review status: criteria provided, multiple submitters, no conflicts (2 of 4 stars). 3 submissions from 3 submitters: Uncertain significance (3). Last evaluated 2025-02-15.

Conditions:
Hereditary cancer-predisposing syndrome. Also called: Neoplastic Syndromes, Hereditary; Hereditary neoplastic syndrome; Tumor predisposition; Hereditary Cancer Syndrome. Identifiers: Orphanet 140162, MedGen C0027672, MeSH D009386, MONDO:0015356.
BAP1-related tumor predisposition syndrome (TPDS1). Also called: COMMON Syndrome; TUMOR PREDISPOSITION SYNDROME 1; Tumor susceptibility linked to germline BAP1 mutations; BAP1 tumor predisposition syndrome. Identifiers: Orphanet 289539, MedGen C3280492, MONDO:0013692, OMIM 614327.

gnomAD v4.1: 1 of 1,611,786 alleles (0.000062%); highest among the groups gnomAD compares: African/African-American, 0.0013%; no homozygotes.

Submissions (3):

Labcorp Genetics (formerly Invitae), Labcorp
Classification: Uncertain significance for BAP1-related tumor predisposition syndrome. Last evaluated: 2025-02-15. Review status: criteria provided, single submitter. Criteria: Invitae Variant Classification Sherloc (09022015). Collection method: clinical testing. Allele origin: germline.
Comment: This sequence change replaces valine, which is neutral and non-polar, with leucine, which is neutral and non-polar, at codon 62 of the BAP1 protein (p.Val62Leu). This variant is not present in population databases (gnomAD no frequency). This variant has not been reported in the literature in individuals affected with BAP1-related conditions. ClinVar contains an entry for this variant (Variation ID: 1393910). Invitae Evidence Modeling of protein sequence and biophysical properties (such as structural, functional, and spatial information, amino acid conservation, physicochemical variation, residue mobility, and thermodynamic stability) indicates that this missense variant is not expected to disrupt BAP1 protein function with a negative predictive value of 80%. In summary, the available evidence is currently insufficient to determine the role of this variant in disease. Therefore, it has been classified as a Variant of Uncertain Significance.

Color Diagnostics, LLC DBA Color Health
Classification: Uncertain significance for Hereditary cancer-predisposing syndrome. Last evaluated: 2024-03-06. Review status: criteria provided, single submitter. Criteria: ACMG Guidelines, 2015. Collection method: clinical testing. Allele origin: germline.
Comment: This missense variant replaces valine with leucine at codon 62 of the BAP1 protein. Computational prediction suggests that this variant may not impact protein structure and function. To our knowledge, functional studies have not been reported for this variant. This variant has not been reported in individuals affected with hereditary cancer in the literature. This variant has not been identified in the general population by the Genome Aggregation Database (gnomAD). The available evidence is insufficient to determine the role of this variant in disease conclusively. Therefore, this variant is classified as a Variant of Uncertain Significance.

Baylor Genetics
Classification: Uncertain significance for BAP1-related tumor predisposition syndrome. Last evaluated: 2023-05-02. Review status: criteria provided, single submitter. Criteria: ACMG Guidelines, 2015. Collection method: clinical testing. Allele origin: unknown.

NM_004656.4(BAP1):c.184G>C (p.Val62Leu)

Gene: BAP1 (BRCA1 associated deubiquitinase 1; minus strand). Cytogenetic location: 3p21.1.
Variant type: single nucleotide variant.
Coding change: c.184G>C on transcript NM_004656.4 (MANE Select); coding-DNA position 184, G replaced by C.
Protein change: p.Val62Leu; replaces valine 62 with leucine.
Molecular consequence: missense variant.
Genome position (GRCh38, 1-based): chr3:52,408,545, C>G on the plus strand (G>C on the coding strand, the complement: BAP1 is on the minus strand). VCF-style: chr3-52408545-C-G. GRCh37 (hg19) VCF-style: chr3-52442561-C-G.
Other names: short protein forms V62L.
Identifiers: ClinVar variation 1393910 (VCV001393910.9), dbSNP rs759957857, ClinGen allele CA353113416.